The following is an entry in ClinVar:

ClinVar aggregate classification (germline): Uncertain significance. Review status: criteria provided, multiple submitters, no conflicts (2 of 4 stars). 2 submissions from 2 submitters: Uncertain significance (2). Last evaluated 2026-01-05.

Conditions:
Inborn genetic diseases. Identifiers: MedGen C0950123, MeSH D030342.

Allele frequency attached by ClinVar (database versions not stated): TOPMed 0.00001; gnomAD 0.00007 and 0.00008.
gnomAD v4.1: 142 of 1,597,964 alleles (0.0089%); highest among the groups gnomAD compares: Middle Eastern, 0.017%; no homozygotes.

Submissions (2):

Labcorp Genetics (formerly Invitae), Labcorp
Classification: Uncertain significance. Last evaluated: 2026-01-05. Review status: criteria provided, single submitter. Criteria: Invitae Variant Classification Sherloc (09022015). Collection method: clinical testing. Allele origin: germline.
Comment: This sequence change replaces serine, which is neutral and polar, with tyrosine, which is neutral and polar, at codon 214 of the FAM20C protein (p.Ser214Tyr). This variant is present in population databases (rs201436002, gnomAD 0.02%). This missense change has been observed in individual(s) with hypophosphatemia (PMID: 34633109). ClinVar contains an entry for this variant (Variation ID: 842543). Invitae Evidence Modeling of protein sequence and biophysical properties (such as structural, functional, and spatial information, amino acid conservation, physicochemical variation, residue mobility, and thermodynamic stability) indicates that this missense variant is not expected to disrupt FAM20C protein function with a negative predictive value of 80%. In summary, the available evidence is currently insufficient to determine the role of this variant in disease. Therefore, it has been classified as a Variant of Uncertain Significance.

Ambry Genetics
Classification: Uncertain significance for Inborn genetic diseases. Last evaluated: 2025-06-18. Review status: criteria provided, single submitter. Criteria: Ambry Variant Classification Scheme 2023. Collection method: clinical testing. Allele origin: germline.

Literature cited by the submitters: PubMed 34633109 (cited by Labcorp Genetics (formerly Invitae), Labcorp).

NM_020223.4(FAM20C):c.641C>A (p.Ser214Tyr)

Gene: FAM20C (FAM20C golgi associated secretory pathway kinase; plus strand). Cytogenetic location: 7p22.3.
Variant type: single nucleotide variant.
Coding change: c.641C>A on transcript NM_020223.4 (MANE Select); coding-DNA position 641, C replaced by A.
Protein change: p.Ser214Tyr; replaces serine 214 with tyrosine.
Molecular consequence: missense variant.
Genome position (GRCh38, 1-based): chr7:195,589, C>A. VCF-style: chr7-195589-C-A. GRCh37 (hg19) VCF-style: chr7-195589-C-A.
Other names: c.641C>A (NM_020223.2); short protein forms S214Y.
Identifiers: ClinVar variation 842543 (VCV000842543.10), dbSNP rs201436002, ClinGen allele CA4108952.